The following is an entry in ClinVar:

NM_003922.4(HERC1):c.5113C>T (p.His1705Tyr)

Gene: HERC1 (HECT and RLD domain containing E3 ubiquitin protein ligase family member 1; minus strand). Cytogenetic location: 15q22.31.
Variant type: single nucleotide variant.
Coding change: c.5113C>T on transcript NM_003922.4 (MANE Select); coding-DNA position 5113, C replaced by T.
Protein change: p.His1705Tyr; replaces histidine 1705 with tyrosine.
Molecular consequence: missense variant.
Genome position (GRCh38, 1-based): chr15:63,696,132, G>A on the plus strand (C>T on the coding strand, the complement: HERC1 is on the minus strand). VCF-style: chr15-63696132-G-A. GRCh37 (hg19) VCF-style: chr15-63988331-G-A.
Other names: c.5113C>T (NM_003922.3); short protein forms H1705Y.
Identifiers: ClinVar variation 1509213 (VCV001509213.10), dbSNP rs754059137, ClinGen allele CA7605642.

ClinVar aggregate classification (germline): Uncertain significance. Review status: criteria provided, multiple submitters, no conflicts (2 of 4 stars). 2 submissions from 2 submitters: Uncertain significance (2). Last evaluated 2024-11-14.

Conditions:
Inborn genetic diseases. Identifiers: MedGen C0950123, MeSH D030342.

Allele frequency attached by ClinVar (database versions not stated): ExAC 0.00001; gnomAD exomes 0.00001; TOPMed 0.00001.
gnomAD v4.1: 22 of 1,610,598 alleles (0.0014%); highest among the groups gnomAD compares: Non-Finnish European, 0.0018%; no homozygotes.

Submissions (2):

Ambry Genetics
Classification: Uncertain significance for Inborn genetic diseases. Last evaluated: 2024-11-14. Review status: criteria provided, single submitter. Criteria: Ambry Variant Classification Scheme 2023. Collection method: clinical testing. Allele origin: germline.

Labcorp Genetics (formerly Invitae), Labcorp
Classification: Uncertain significance. Last evaluated: 2021-07-17. Review status: criteria provided, single submitter. Criteria: Invitae Variant Classification Sherloc (09022015). Collection method: clinical testing. Allele origin: germline.
Comment: In summary, the available evidence is currently insufficient to determine the role of this variant in disease. Therefore, it has been classified as a Variant of Uncertain Significance. Algorithms developed to predict the effect of missense changes on protein structure and function are either unavailable or do not agree on the potential impact of this missense change (SIFT: "Deleterious"; PolyPhen-2: "Benign"; Align-GVGD: "Class C65"). This variant has not been reported in the literature in individuals affected with HERC1-related conditions. This variant is present in population databases (rs754059137, ExAC 0.01%). This sequence change replaces histidine with tyrosine at codon 1705 of the HERC1 protein (p.His1705Tyr). The histidine residue is highly conserved and there is a moderate physicochemical difference between histidine and tyrosine.